The following is an entry in ClinVar:

ClinVar aggregate classification (germline): Uncertain significance (1 of 4 stars; one submission).

Conditions:
Tuberous sclerosis 2 (TSC2). Identifiers: Orphanet 805, MedGen C1860707, MONDO:0013199, OMIM 613254.

Allele frequency attached by ClinVar (database versions not stated): gnomAD exomes below 0.00001.
gnomAD v4.1: 1 of 1,612,444 alleles (0.000062%); highest among the groups gnomAD compares: Non-Finnish European, 0.000085%; no homozygotes.

Submission:

Labcorp Genetics (formerly Invitae), Labcorp
Classification: Uncertain significance for Tuberous sclerosis 2. Last evaluated: 2024-09-12. Review status: criteria provided, single submitter. Criteria: Invitae Variant Classification Sherloc (09022015). Collection method: clinical testing. Allele origin: germline.
Comment: This sequence change affects a donor splice site in intron 41 of the TSC2 gene. While this variant is not anticipated to result in nonsense mediated decay, it likely alters RNA splicing and results in a disrupted protein product. This variant is not present in population databases (gnomAD no frequency). This variant has not been reported in the literature in individuals affected with TSC2-related conditions. ClinVar contains an entry for this variant (Variation ID: 1483596). Variants that disrupt the consensus splice site are a relatively common cause of aberrant splicing (PMID: 17576681, 9536098). Algorithms developed to predict the effect of sequence changes on RNA splicing suggest that this variant may disrupt the consensus splice site. In summary, the available evidence is currently insufficient to determine the role of this variant in disease. Therefore, it has been classified as a Variant of Uncertain Significance.

Literature cited by the submitters: PubMed 17576681; PubMed 9536098.

NM_000548.5(TSC2):c.5259+2T>C

Gene: TSC2 (TSC complex subunit 2; plus strand). Cytogenetic location: 16p13.3.
Variant type: single nucleotide variant.
Coding change: c.5259+2T>C on transcript NM_000548.5 (MANE Select); the canonical splice donor site of the intron after coding-DNA position 5259, T replaced by C.
Molecular consequence: splice donor variant.
Genome position (GRCh38, 1-based): chr16:2,088,327, T>C. VCF-style: chr16-2088327-T-C. GRCh37 (hg19) VCF-style: chr16-2138328-T-C.
Other names: c.3717+2T>C (NM_001406693.1, NM_001406692.1, NM_001406694.1); c.5151+2T>C (NM_001406667.1); c.5148+2T>C (NM_001406668.1); c.4659+2T>C (NM_001406680.1); c.4590+2T>C (NM_001406683.1, NM_001406682.1); c.4458+2T>C (NM_001406687.1, NM_001406688.1); c.3846+2T>C (NM_001406689.1); c.3786+2T>C (NM_001406690.1); and 27 more.
Identifiers: ClinVar variation 1483596 (VCV001483596.8), dbSNP rs1555440894, ClinGen allele CA394314836.